The following is an entry in ClinVar:

ClinVar aggregate classification (germline): Pathogenic (1 of 4 stars; one submission).

Submission:

Labcorp Genetics (formerly Invitae), Labcorp
Classification: Pathogenic. Last evaluated: 2024-11-05. Review status: criteria provided, single submitter. Criteria: Invitae Variant Classification Sherloc (09022015). Collection method: clinical testing. Allele origin: germline.
Comment: This sequence change creates a premature translational stop signal (p.Tyr401*) in the RBBP5 gene. It is expected to result in an absent or disrupted protein product. Loss-of-function variants in RBBP5 are known to be pathogenic (PMID: 39036895). This variant is not present in population databases (gnomAD no frequency). This variant has not been reported in the literature in individuals affected with RBBP5-related conditions. For these reasons, this variant has been classified as Pathogenic.

Literature cited by the submitters: PubMed 39036895.

NM_005057.4(RBBP5):c.1203T>G (p.Tyr401Ter)

Gene: RBBP5 (RB binding protein 5, histone lysine methyltransferase complex subunit; minus strand). Cytogenetic location: 1q32.1.
Variant type: single nucleotide variant.
Coding change: c.1203T>G on transcript NM_005057.4 (MANE Select); coding-DNA position 1203, T replaced by G.
Protein change: p.Tyr401Ter; replaces tyrosine 401 with a stop codon.
Molecular consequence: nonsense.
Genome position (GRCh38, 1-based): chr1:205,096,875, A>C on the plus strand (T>G on the coding strand, the complement: RBBP5 is on the minus strand). VCF-style: chr1-205096875-A-C. GRCh37 (hg19) VCF-style: chr1-205066003-A-C.
Other names: c.1203T>G, p.Tyr401Ter (NM_001193272.2); c.822T>G, p.Tyr274Ter (NM_001193273.2); short protein forms Y274*, Y401*.
Identifiers: ClinVar variation 3724725 (VCV003724725.2).